The following is an entry in ClinVar:

ClinVar aggregate classification (germline): Pathogenic (1 of 4 stars; one submission).

Conditions:
Methylcobalamin deficiency type cblE (HMAE). Also called: HOMOCYSTINURIA-MEGALOBLASTIC ANEMIA, cblE TYPE; VITAMIN B12-RESPONSIVE HOMOCYSTINURIA, cblE TYPE; HOMOCYSTINURIA-MEGALOBLASTIC ANEMIA, cblE COMPLEMENTATION TYPE. Identifiers: Orphanet 2169, Orphanet 622, MedGen C1856057, MONDO:0009354, OMIM 236270.

Submission:

Labcorp Genetics (formerly Invitae), Labcorp
Classification: Pathogenic for Methylcobalamin deficiency type cblE. Last evaluated: 2022-03-10. Review status: criteria provided, single submitter. Criteria: Invitae Variant Classification Sherloc (09022015). Collection method: clinical testing. Allele origin: germline.
Comment: For these reasons, this variant has been classified as Pathogenic. This variant has not been reported in the literature in individuals affected with MTRR-related conditions. This variant is not present in population databases (gnomAD no frequency). This sequence change creates a premature translational stop signal (p.Gly548Alafs*2) in the MTRR gene. It is expected to result in an absent or disrupted protein product. Loss-of-function variants in MTRR are known to be pathogenic (PMID: 15714522).

Literature cited by the submitters: PubMed 15714522.

NM_002454.3(MTRR):c.1643del (p.Gly548fs)

Gene: MTRR (5-methyltetrahydrofolate-homocysteine methyltransferase reductase; plus strand). Cytogenetic location: 5p15.31.
Variant type: Deletion.
Coding change: c.1643del on transcript NM_002454.3 (MANE Select); coding-DNA position 1643, one base deleted (G; older notation c.1643delG).
Protein change: p.Gly548fs; shifts the reading frame from glycine 548.
Molecular consequence: frameshift variant. On other transcripts: non-coding transcript variant (14).
Genome position (GRCh38, 1-based): chr5:7,895,819, G deleted; the last of 2 consecutive G bases (chr5:7,895,818-7,895,819); deleting either gives the same sequence. VCF-style (leftmost placement, unchanged base first): chr5-7895817-CG-C. GRCh37 (hg19) VCF-style: chr5-7895930-CG-C.
Other names: c.1643del, p.Gly548fs (NM_001364440.2, NM_001364441.2, NM_001364442.2 and 1 more transcripts); short protein forms G548fs.
Identifiers: ClinVar variation 2108206 (VCV002108206.4), dbSNP rs2479148171, ClinGen allele CA2580073448.